The following is an entry in ClinVar:

NM_005850.5(SF3B4):c.722del (p.Gly241fs)

Gene: SF3B4 (splicing factor 3b subunit 4; minus strand). Cytogenetic location: 1q21.2.
Variant type: Deletion.
Coding change: c.722del on transcript NM_005850.5 (MANE Select); coding-DNA position 722, one base deleted (G; older notation c.722delG).
Protein change: p.Gly241fs; shifts the reading frame from glycine 241.
Molecular consequence: frameshift variant.
Genome position (GRCh38, 1-based): chr1:149,926,027, C deleted on the plus strand (G on the coding strand, the reverse complement: SF3B4 is on the minus strand); the first of 2 consecutive C bases (chr1:149,926,027-149,926,028); deleting either gives the same sequence. VCF-style (leftmost placement, unchanged base first): chr1-149926026-GC-G. GRCh37 (hg19) VCF-style: chr1-149897918-GC-G.
Other names: short protein forms G241fs.
Identifiers: ClinVar variation 3663874 (VCV003663874.2).

ClinVar aggregate classification (germline): Pathogenic (1 of 4 stars; one submission).

Submission:

Labcorp Genetics (formerly Invitae), Labcorp
Classification: Pathogenic. Last evaluated: 2024-08-29. Review status: criteria provided, single submitter. Criteria: Invitae Variant Classification Sherloc (09022015). Collection method: clinical testing. Allele origin: germline.
Comment: This sequence change creates a premature translational stop signal (p.Gly241Alafs*79) in the SF3B4 gene. It is expected to result in an absent or disrupted protein product. Loss-of-function variants in SF3B4 are known to be pathogenic (PMID: 22541558, 23568615). This variant is not present in population databases (gnomAD no frequency). This variant has not been reported in the literature in individuals affected with SF3B4-related conditions. For these reasons, this variant has been classified as Pathogenic.

Literature cited by the submitters: PubMed 22541558; PubMed 23568615.